The following is an entry in ClinVar:

ClinVar aggregate classification (germline): Uncertain significance (1 of 4 stars; one submission).

Conditions:
Hereditary spastic paraplegia 73. Also called: Spastic paraplegia 73, autosomal dominant. Identifiers: Orphanet 444099, MedGen C5568981, MONDO:0014568, OMIM 616282.

Allele frequency attached by ClinVar (database versions not stated): gnomAD exomes below 0.00001; ExAC 0.00001.
gnomAD v4.1: 2 of 1,613,840 alleles (0.00012%); highest among the groups gnomAD compares: Non-Finnish European, 0.00017%; no homozygotes.

Submission:

Labcorp Genetics (formerly Invitae), Labcorp
Classification: Uncertain significance for Hereditary spastic paraplegia 73. Last evaluated: 2024-09-05. Review status: criteria provided, single submitter. Criteria: Invitae Variant Classification Sherloc (09022015). Collection method: clinical testing. Allele origin: germline.
Comment: This sequence change replaces glutamine, which is neutral and polar, with glutamic acid, which is acidic and polar, at codon 320 of the CPT1C protein (p.Gln320Glu). This variant is present in population databases (rs770529938, gnomAD 0.0009%). This variant has not been reported in the literature in individuals affected with CPT1C-related conditions. ClinVar contains an entry for this variant (Variation ID: 1969386). Invitae Evidence Modeling of protein sequence and biophysical properties (such as structural, functional, and spatial information, amino acid conservation, physicochemical variation, residue mobility, and thermodynamic stability) indicates that this missense variant is not expected to disrupt CPT1C protein function with a negative predictive value of 80%. In summary, the available evidence is currently insufficient to determine the role of this variant in disease. Therefore, it has been classified as a Variant of Uncertain Significance.

NM_001199753.2(CPT1C):c.991C>G (p.Gln331Glu)

Gene: CPT1C (carnitine palmitoyltransferase 1C; plus strand). Cytogenetic location: 19q13.33.
Variant type: single nucleotide variant.
Coding change: c.991C>G on transcript NM_001199753.2 (MANE Select); coding-DNA position 991, C replaced by G.
Protein change: p.Gln331Glu; replaces glutamine 331 with glutamic acid.
Molecular consequence: missense variant. On other transcripts: non-coding transcript variant (1).
Genome position (GRCh38, 1-based): chr19:49,705,935, C>G. VCF-style: chr19-49705935-C-G. GRCh37 (hg19) VCF-style: chr19-50209192-C-G.
Other names: c.958C>G, p.Gln320Glu (NM_001136052.3, NM_001378485.1, NM_001378487.1); c.991C>G, p.Gln331Glu (NM_001199752.3, NM_001378483.1, NM_001378484.1 and 3 more transcripts); c.1057C>G, p.Gln353Glu (NM_001378482.1); short protein forms Q331E, Q320E, Q353E.
Identifiers: ClinVar variation 1969386 (VCV001969386.5), dbSNP rs770529938, ClinGen allele CA9582046.